The following is an entry in ClinVar:

NM_001042492.3(NF1):c.1642-13T>C

Gene: NF1 (neurofibromin 1; plus strand). Cytogenetic location: 17q11.2.
Variant type: single nucleotide variant.
Coding change: c.1642-13T>C on transcript NM_001042492.3 (MANE Select); 13 bases into the intron before coding-DNA position 1642, T replaced by C.
Molecular consequence: intron variant.
Genome position (GRCh38, 1-based): chr17:31,221,837, T>C. VCF-style: chr17-31221837-T-C. GRCh37 (hg19) VCF-style: chr17-29548855-T-C.
Other names: c.1642-13T>C (NM_000267.4, NM_001128147.3).
Identifiers: ClinVar variation 4875949 (VCV004875949.1).

ClinVar aggregate classification (germline): Likely benign (1 of 4 stars; one submission).

Conditions:
Neurofibromatosis, type 1 (NF1). Also called: VON RECKLINGHAUSEN DISEASE; NEUROFIBROMATOSIS, TYPE I, SOMATIC; Peripheral type neurofibromatosis; Neurofibromatosis, type I. Identifiers: Orphanet 636, MedGen C0027831, MONDO:0018975, OMIM 162200. Disease mechanism: loss of function.

Submission:

Myriad Genetics, Inc.
Classification: Likely benign for Neurofibromatosis, type 1. Last evaluated: 2026-05-11. Review status: criteria provided, single submitter. Criteria: Myriad Autosomal Dominant, Autosomal Recessive and X-Linked Classification Criteria (2023). Collection method: clinical testing. Allele origin: unknown.
Comment: This variant is considered likely benign. This variant is intronic and is not expected to impact mRNA splicing.